The following is an entry in ClinVar:

NM_005219.5(DIAPH1):c.1943A>G (p.Asp648Gly)

Gene: DIAPH1 (diaphanous related formin 1; minus strand). Cytogenetic location: 5q31.3.
Variant type: single nucleotide variant.
Coding change: c.1943A>G on transcript NM_005219.5 (MANE Select); coding-DNA position 1943, A replaced by G.
Protein change: p.Asp648Gly; replaces aspartic acid 648 with glycine.
Molecular consequence: missense variant.
Genome position (GRCh38, 1-based): chr5:141,573,907, T>C on the plus strand (A>G on the coding strand, the complement: DIAPH1 is on the minus strand). VCF-style: chr5-141573907-T-C. GRCh37 (hg19) VCF-style: chr5-140953474-T-C.
Other names: c.1916A>G, p.Asp639Gly (NM_001079812.3); c.1943A>G, p.Asp648Gly (NM_001314007.2); short protein forms D648G, D639G.
Identifiers: ClinVar variation 351293 (VCV000351293.13), dbSNP rs886060032, ClinGen allele CA10620387.
Genomic context (GRCh38, chr5:141,573,907, plus strand): 5'-GAAGAGGGTGAAGGGATGCCAACACCCTCAGGCAAAGGAGGGGGTGGAGGGATGGTAGCA[T>C]CCCCAGACAAAGGAGGGGGTGGAGAGATAGCAGTACCTCCAGGTAAAGAAGGGGGTGAGG-3'
Protein context (NP_005210.3, residues 638-658): AISPPPPLSG[Asp648Gly]ATIPPPPPLP

ClinVar aggregate classification (germline): Uncertain significance. Review status: criteria provided, multiple submitters, no conflicts (2 of 4 stars). 2 submissions from 2 submitters: Uncertain significance (2). Last evaluated 2020-11-11.

Conditions:
Autosomal dominant nonsyndromic hearing loss 1. Also called: KONIGSMARK SYNDROME; DEAFNESS, AUTOSOMAL DOMINANT 1, WITH OR WITHOUT THROMBOCYTOPENIA. Identifiers: Orphanet 90635, MedGen C1852282, MONDO:0007424, OMIM 124900.
Progressive microcephaly-seizures-cortical blindness-developmental delay syndrome. Also called: Seizures, cortical blindness, and microcephaly syndrome. Identifiers: Orphanet 477814, MedGen C5567650, MONDO:0014714, OMIM 616632.

Allele frequency attached by ClinVar (database versions not stated): gnomAD exomes below 0.00001.
gnomAD v4.1: 1 of 1,526,614 alleles (0.000066%); highest among the groups gnomAD compares: Non-Finnish European, 0.000088%; no homozygotes.

Submissions (2):

Labcorp Genetics (formerly Invitae), Labcorp
Classification: Uncertain significance for Progressive microcephaly-seizures-cortical blindness-developmental delay syndrome; Autosomal dominant nonsyndromic hearing loss 1. Last evaluated: 2020-11-11. Review status: criteria provided, single submitter. Criteria: Invitae Variant Classification Sherloc (09022015). Collection method: clinical testing. Allele origin: germline.
Comment: This sequence change replaces aspartic acid with glycine at codon 648 of the DIAPH1 protein (p.Asp648Gly). The aspartic acid residue is weakly conserved and there is a moderate physicochemical difference between aspartic acid and glycine. The frequency data for this variant in the population databases is considered unreliable, as metrics indicate insufficient coverage at this position in the ExAC database. This variant has not been reported in the literature in individuals with DIAPH1-related conditions. ClinVar contains an entry for this variant (Variation ID: 351293). Algorithms developed to predict the effect of missense changes on protein structure and function output the following: SIFT: "Tolerated"; PolyPhen-2: "Not Available"; Align-GVGD: "Class C0". The glycine amino acid residue is found in multiple mammalian species, suggesting that this missense change does not adversely affect protein function. These predictions have not been confirmed by published functional studies and their clinical significance is uncertain. In summary, the available evidence is currently insufficient to determine the role of this variant in disease. Therefore, it has been classified as a Variant of Uncertain Significance.

Illumina Laboratory Services, Illumina
Classification: Uncertain significance for Autosomal dominant nonsyndromic hearing loss 1. Last evaluated: 2018-01-12. Review status: criteria provided, single submitter. Criteria: ICSL Variant Classification Criteria 13 December 2019. Collection method: clinical testing. Allele origin: germline.